The following is an entry in ClinVar:

ClinVar aggregate classification (germline): Uncertain significance (1 of 4 stars; one submission).

gnomAD v4.1: 3 of 1,613,984 alleles (0.00019%); highest among the groups gnomAD compares: Admixed American, 0.005%; no homozygotes.

Submission:

Labcorp Genetics (formerly Invitae), Labcorp
Classification: Uncertain significance. Last evaluated: 2022-05-06. Review status: criteria provided, single submitter. Criteria: Invitae Variant Classification Sherloc (09022015). Collection method: clinical testing. Allele origin: germline.
Comment: Algorithms developed to predict the effect of sequence changes on RNA splicing suggest that this variant may disrupt the consensus splice site. In summary, the available evidence is currently insufficient to determine the role of this variant in disease. Therefore, it has been classified as a Variant of Uncertain Significance. Algorithms developed to predict the effect of missense changes on protein structure and function (SIFT, PolyPhen-2, Align-GVGD) all suggest that this variant is likely to be tolerated. This sequence change replaces serine, which is neutral and polar, with arginine, which is basic and polar, at codon 176 of the NPHS1 protein (p.Ser176Arg). This variant is present in population databases (rs539716201, gnomAD 0.009%). This variant has not been reported in the literature in individuals affected with NPHS1-related conditions.

NM_004646.4(NPHS1):c.528T>G (p.Ser176Arg)

Gene: NPHS1 (NPHS1 adhesion molecule, nephrin; minus strand). Cytogenetic location: 19q13.12.
Variant type: single nucleotide variant.
Coding change: c.528T>G on transcript NM_004646.4 (MANE Select); coding-DNA position 528, T replaced by G.
Protein change: p.Ser176Arg; replaces serine 176 with arginine.
Molecular consequence: missense variant.
Genome position (GRCh38, 1-based): chr19:35,850,444, A>C on the plus strand (T>G on the coding strand, the complement: NPHS1 is on the minus strand). VCF-style: chr19-35850444-A-C. GRCh37 (hg19) VCF-style: chr19-36341346-A-C.
Other names: short protein forms S176R.
Identifiers: ClinVar variation 1966277 (VCV001966277.5), dbSNP rs539716201, ClinGen allele CA9390767.